The following is an entry in ClinVar:

NM_001103.4(ACTN2):c.1309G>T (p.Val437Leu)

Gene: ACTN2 (actinin alpha 2; plus strand). Cytogenetic location: 1q43.
Variant type: single nucleotide variant.
Coding change: c.1309G>T on transcript NM_001103.4 (MANE Select); coding-DNA position 1309, G replaced by T.
Protein change: p.Val437Leu; replaces valine 437 with leucine.
Molecular consequence: missense variant. On other transcripts: non-coding transcript variant (1).
Genome position (GRCh38, 1-based): chr1:236,744,679, G>T. VCF-style: chr1-236744679-G-T. GRCh37 (hg19) VCF-style: chr1-236907979-G-T.
Other names: c.1309G>T, p.Val437Leu (NM_001278343.2); short protein forms V437L.
Identifiers: ClinVar variation 4795897 (VCV004795897.1).
Genomic context (GRCh38, chr1:236,744,679, plus strand): 5'-TTTGCAGGCAAAGAGCAGATCTTGCTGCAGAAGGATTACGAGTCGGCGTCGCTGACAGAG[G>T]TGCGGGCTCTGCTGCGGAAGCACGAGGCGTTCGAGAGCGACCTGGCAGCGCACCAGGACC-3'
Protein context (NP_001094.1, residues 427-447): KDYESASLTE[Val437Leu]RALLRKHEAF

ClinVar aggregate classification (germline): Uncertain significance (1 of 4 stars; one submission).

Conditions:
Dilated cardiomyopathy 1AA (CMD1AA). Also called: CARDIOMYOPATHY, DILATED, 1AA, WITH OR WITHOUT LEFT VENTRICULAR NONCOMPACTION; CARDIOMYOPATHY, FAMILIAL HYPERTROPHIC, 23, WITH OR WITHOUT LEFT VENTRICULAR NONCOMPACTION; Cardiomyopathy, dilated, 1AA, with or without LVNC. Identifiers: Orphanet 154, MedGen C2677338, MONDO:0012808, OMIM 612158.

Submission:

Petrovsky National Research Centre of Surgery, The Federal Agency for Scientific Organizations
Classification: Uncertain significance for Dilated cardiomyopathy 1AA. Review status: criteria provided, single submitter. Criteria: ACMG Guidelines, 2015. Collection method: clinical testing. Allele origin: germline. Affected: yes.
Comment: This variant is absent in The Genome Aggregation Database (gnomAD) v4.1.0 (Date of access 05-09-2024). This variant has not been reported in any study to our knowledge. In accordance with ACMG (2015) criteria this variant is classified as Variant of Uncertain Significance (VUS) with following criteria selected: PM2, BP4.